The following is an entry in ClinVar:

NM_002880.4(RAF1):c.1636C>A (p.Leu546Ile)

Gene: RAF1 (Raf-1 proto-oncogene, serine/threonine kinase; minus strand). Cytogenetic location: 3p25.2.
Variant type: single nucleotide variant.
Coding change: c.1636C>A on transcript NM_002880.4 (MANE Select); coding-DNA position 1636, C replaced by A.
Protein change: p.Leu546Ile; replaces leucine 546 with isoleucine.
Molecular consequence: missense variant. On other transcripts: non-coding transcript variant (3).
Genome position (GRCh38, 1-based): chr3:12,585,154, G>T on the plus strand (C>A on the coding strand, the complement: RAF1 is on the minus strand). VCF-style: chr3-12585154-G-T. GRCh37 (hg19) VCF-style: chr3-12626653-G-T.
Other names: c.1696C>A, p.Leu566Ile (NM_001354689.3); c.1636C>A, p.Leu546Ile (NM_001354690.3); c.1393C>A, p.Leu465Ile (NM_001354691.3, NM_001354692.3); c.1537C>A, p.Leu513Ile (NM_001354693.3); c.1453C>A, p.Leu485Ile (NM_001354694.3); c.1294C>A, p.Leu432Ile (NM_001354695.3); short protein forms L546I, L566I, L432I, L513I, L465I, L485I.
Identifiers: ClinVar variation 518872 (VCV000518872.5), dbSNP rs1265418262, ClinGen allele CA351497401.
Genomic context (GRCh38, chr3:12,585,154, plus strand): 5'-GGGTCCTTTCGCACCAGCACAGACTTACCTGATCTCGGTTGTTGATGTGAGAATAAGGAA[G>T]CTCCCCCGTCATCAGTTCATACAATACGATGCCATAGGAGTAGACATCCGACTGGAAACT-3'
Protein context (NP_002871.1, residues 536-556): IVLYELMTGE[Leu546Ile]PYSHINNRDQ

ClinVar aggregate classification (germline): Uncertain significance (1 of 4 stars; one submission).

Conditions:
Cardiovascular phenotype. Identifiers: MedGen CN230736.

Submission:

Ambry Genetics
Classification: Uncertain significance for Cardiovascular phenotype. Last evaluated: 2017-11-03. Review status: criteria provided, single submitter. Criteria: Ambry Variant Classification Scheme 2023. Collection method: clinical testing. Allele origin: germline.
Comment: The p.L546I variant (also known as c.1636C>A), located in coding exon 14 of the RAF1 gene, results from a C to A substitution at nucleotide position 1636. The leucine at codon 546 is replaced by isoleucine, an amino acid with highly similar properties. This amino acid position is highly conserved in available vertebrate species. In addition, the in silico prediction for this alteration is inconclusive. Since supporting evidence is limited at this time, the clinical significance of this alteration remains unclear.